The following is an entry in ClinVar:

ClinVar aggregate classification (germline): Uncertain significance. Review status: criteria provided, multiple submitters, no conflicts (2 of 4 stars). 3 submissions from 3 submitters: Uncertain significance (3). Last evaluated 2025-09-10.

Conditions:
Inborn genetic diseases. Identifiers: MedGen C0950123, MeSH D030342.

Allele frequency attached by ClinVar (database versions not stated): gnomAD 0.00001; TOPMed 0.00001; gnomAD exomes 0.00004 and 0.00010; ExAC 0.00013.
gnomAD v4.1: 62 of 1,613,362 alleles (0.0038%); highest among the groups gnomAD compares: South Asian, 0.041%; 2 homozygotes.

Submissions (3):

Ambry Genetics
Classification: Uncertain significance for Inborn genetic diseases. Last evaluated: 2025-09-10. Review status: criteria provided, single submitter. Criteria: Ambry Variant Classification Scheme 2023. Collection method: clinical testing. Allele origin: germline.

Labcorp Genetics (formerly Invitae), Labcorp
Classification: Uncertain significance. Last evaluated: 2025-01-06. Review status: criteria provided, single submitter. Criteria: Invitae Variant Classification Sherloc (09022015). Collection method: clinical testing. Allele origin: germline.
Comment: This sequence change replaces isoleucine, which is neutral and non-polar, with valine, which is neutral and non-polar, at codon 138 of the TTLL5 protein (p.Ile138Val). This variant is present in population databases (rs780232533, gnomAD 0.07%). This variant has not been reported in the literature in individuals affected with TTLL5-related conditions. ClinVar contains an entry for this variant (Variation ID: 1362118). Invitae Evidence Modeling of protein sequence and biophysical properties (such as structural, functional, and spatial information, amino acid conservation, physicochemical variation, residue mobility, and thermodynamic stability) indicates that this missense variant is not expected to disrupt TTLL5 protein function with a negative predictive value of 80%. In summary, the available evidence is currently insufficient to determine the role of this variant in disease. Therefore, it has been classified as a Variant of Uncertain Significance.

Blueprint Genetics
Classification: Uncertain significance. Last evaluated: 2022-11-06. Review status: criteria provided, single submitter. Criteria: ACMG Guidelines, 2015. Collection method: clinical testing. Allele origin: germline.

NM_015072.5(TTLL5):c.412A>G (p.Ile138Val)

Gene: TTLL5 (tubulin tyrosine ligase like 5; plus strand). Cytogenetic location: 14q24.3.
Variant type: single nucleotide variant.
Coding change: c.412A>G on transcript NM_015072.5 (MANE Select); coding-DNA position 412, A replaced by G.
Protein change: p.Ile138Val; replaces isoleucine 138 with valine.
Molecular consequence: missense variant.
Genome position (GRCh38, 1-based): chr14:75,690,232, A>G. VCF-style: chr14-75690232-A-G. GRCh37 (hg19) VCF-style: chr14-76156575-A-G.
Other names: c.412A>G (NM_015072.4); short protein forms I138V.
Identifiers: ClinVar variation 1362118 (VCV001362118.9), dbSNP rs780232533, ClinGen allele CA7278920.
Genomic context (GRCh38, chr14:75,690,232, plus strand): 5'-ATACTTTTTTGATTTTTCAGGTCTTATGAACTTACCCGGAAGGACCGACTGTACAAAAAC[A>G]TTATTCGAATGCAGCATACACATGGATTCAAGGCTTTTCACATCCTCCCCCAGACCTTCC-3'
Protein context (NP_055887.3, residues 128-148): LTRKDRLYKN[Ile138Val]IRMQHTHGFK